The following is an entry in ClinVar:

NM_001854.4(COL11A1):c.2282C>T (p.Pro761Leu)

Gene: COL11A1 (collagen type XI alpha 1 chain; minus strand). Cytogenetic location: 1p21.1.
Variant type: single nucleotide variant.
Coding change: c.2282C>T on transcript NM_001854.4 (MANE Select); coding-DNA position 2282, C replaced by T.
Protein change: p.Pro761Leu; replaces proline 761 with leucine.
Molecular consequence: missense variant. On other transcripts: non-coding transcript variant (1).
Genome position (GRCh38, 1-based): chr1:102,996,002, G>A on the plus strand (C>T on the coding strand, the complement: COL11A1 is on the minus strand). VCF-style: chr1-102996002-G-A. GRCh37 (hg19) VCF-style: chr1-103461558-G-A.
Other names: c.1934C>T, p.Pro645Leu (NM_001168249.1, NM_080630.4); c.2165C>T, p.Pro722Leu (NM_001190709.2); c.2318C>T, p.Pro773Leu (NM_080629.3); short protein forms P722L, P773L, P761L, P645L.
Identifiers: ClinVar variation 2012271 (VCV002012271.4), dbSNP rs2525287713, ClinGen allele CA341169017.

ClinVar aggregate classification (germline): Uncertain significance (1 of 4 stars; one submission).

gnomAD v4.1: 1 of 1,613,342 alleles (0.000062%); highest among the groups gnomAD compares: Non-Finnish European, 0.000085%; no homozygotes.

Submission:

Labcorp Genetics (formerly Invitae), Labcorp
Classification: Uncertain significance. Last evaluated: 2022-06-29. Review status: criteria provided, single submitter. Criteria: Invitae Variant Classification Sherloc (09022015). Collection method: clinical testing. Allele origin: germline.
Comment: Advanced modeling of protein sequence and biophysical properties (such as structural, functional, and spatial information, amino acid conservation, physicochemical variation, residue mobility, and thermodynamic stability) performed at Invitae indicates that this missense variant is not expected to disrupt COL11A1 protein function. This sequence change replaces proline, which is neutral and non-polar, with leucine, which is neutral and non-polar, at codon 761 of the COL11A1 protein (p.Pro761Leu). This variant is not present in population databases (gnomAD no frequency). This variant has not been reported in the literature in individuals affected with COL11A1-related conditions. In summary, the available evidence is currently insufficient to determine the role of this variant in disease. Therefore, it has been classified as a Variant of Uncertain Significance.